The following is an entry in ClinVar:

NM_014991.6(WDFY3):c.5642A>G (p.Asn1881Ser)

Gene: WDFY3 (WD repeat and FYVE domain containing 3; minus strand). Cytogenetic location: 4q21.23.
Variant type: single nucleotide variant.
Coding change: c.5642A>G on transcript NM_014991.6 (MANE Select); coding-DNA position 5642, A replaced by G.
Protein change: p.Asn1881Ser; replaces asparagine 1881 with serine.
Molecular consequence: missense variant.
Genome position (GRCh38, 1-based): chr4:84,753,794, T>C on the plus strand (A>G on the coding strand, the complement: WDFY3 is on the minus strand). VCF-style: chr4-84753794-T-C. GRCh37 (hg19) VCF-style: chr4-85674947-T-C.
Other names: short protein forms N1881S.
Identifiers: ClinVar variation 2446147 (VCV002446147.1), dbSNP rs1381148452, ClinGen allele CA357561986.
Genomic context (GRCh38, chr4:84,753,794, plus strand): 5'-GTGGCTGCTAATGCACACAGGAAGTCAGGGCTCATCCACATGGAGGCAAGGTCTGGCACG[T>C]TGTGATACAAATATCTGAAGAACTGCATCAGGGTCACAGGATATTCTCGGAGCCAAGATC-3'
Protein context (NP_055806.2, residues 1871-1891): LMQFFRYLYH[Asn1881Ser]VPDLASMWMS

ClinVar aggregate classification (germline): Uncertain significance (1 of 4 stars; one submission).

Allele frequency attached by ClinVar (database versions not stated): gnomAD exomes below 0.00001; TOPMed 0.00001.
gnomAD v4.1: 2 of 1,612,286 alleles (0.00012%); highest among the groups gnomAD compares: South Asian, 0.0011%; no homozygotes.

Submission:

GeneDx
Classification: Uncertain significance. Last evaluated: 2022-09-22. Review status: criteria provided, single submitter. Criteria: GeneDx Variant Classification Process June 2021. Collection method: clinical testing. Allele origin: germline. Affected: yes.
Comment: Not observed at significant frequency in large population cohorts (gnomAD); In silico analysis supports that this missense variant has a deleterious effect on protein structure/function; Has not been previously published as pathogenic or benign to our knowledge